The following is an entry in ClinVar:

NM_000245.4(MET):c.843C>G (p.Phe281Leu)

Gene: MET (MET proto-oncogene, receptor tyrosine kinase; plus strand). Cytogenetic location: 7q31.2.
Variant type: single nucleotide variant.
Coding change: c.843C>G on transcript NM_000245.4 (MANE Select); coding-DNA position 843, C replaced by G.
Protein change: p.Phe281Leu; replaces phenylalanine 281 with leucine.
Molecular consequence: missense variant. On other transcripts: intron variant (1).
Genome position (GRCh38, 1-based): chr7:116,699,927, C>G. VCF-style: chr7-116699927-C-G. GRCh37 (hg19) VCF-style: chr7-116339981-C-G.
Other names: c.843C>G, p.Phe281Leu (NM_001127500.3, NM_001324401.3); c.-91+27350C>G (NM_001324402.2); short protein forms F281L.
Identifiers: ClinVar variation 1763385 (VCV001763385.5), dbSNP rs2116599322, ClinGen allele CA368969973.

ClinVar aggregate classification (germline): Uncertain significance. Review status: criteria provided, multiple submitters, no conflicts (2 of 4 stars). 2 submissions from 2 submitters: Uncertain significance (2). Last evaluated 2025-04-25.

Conditions:
Hereditary cancer-predisposing syndrome. Also called: Neoplastic Syndromes, Hereditary; Tumor predisposition; Hereditary Cancer Syndrome; Hereditary neoplastic syndrome. Identifiers: Orphanet 140162, MedGen C0027672, MeSH D009386, MONDO:0015356.
Renal cell carcinoma. Identifiers: Orphanet 217071, MedGen C0007134, MeSH D002292, MONDO:0005086, HP:0005584.

Submissions (2):

Ambry Genetics
Classification: Uncertain significance for Hereditary cancer-predisposing syndrome. Last evaluated: 2025-04-25. Review status: criteria provided, single submitter. Criteria: Ambry Variant Classification Scheme 2023. Collection method: clinical testing. Allele origin: germline.
Comment: The p.F281L variant (also known as c.843C>G), located in coding exon 1 of the MET gene, results from a C to G substitution at nucleotide position 843. The phenylalanine at codon 281 is replaced by leucine, an amino acid with highly similar properties. This amino acid position is well conserved in available vertebrate species. In addition, this alteration is predicted to be tolerated by in silico analysis. Based on the available evidence, the clinical significance of this variant remains unclear.

Labcorp Genetics (formerly Invitae), Labcorp
Classification: Uncertain significance for Renal cell carcinoma. Last evaluated: 2024-06-06. Review status: criteria provided, single submitter. Criteria: Invitae Variant Classification Sherloc (09022015). Collection method: clinical testing. Allele origin: germline.
Comment: This sequence change replaces phenylalanine, which is neutral and non-polar, with leucine, which is neutral and non-polar, at codon 281 of the MET protein (p.Phe281Leu). This variant is not present in population databases (gnomAD no frequency). This variant has not been reported in the literature in individuals affected with MET-related conditions. ClinVar contains an entry for this variant (Variation ID: 1763385). Advanced modeling of protein sequence and biophysical properties (such as structural, functional, and spatial information, amino acid conservation, physicochemical variation, residue mobility, and thermodynamic stability) performed at Invitae indicates that this missense variant is not expected to disrupt MET protein function with a negative predictive value of 80%. In summary, the available evidence is currently insufficient to determine the role of this variant in disease. Therefore, it has been classified as a Variant of Uncertain Significance.